The following is an entry in ClinVar:

ClinVar aggregate classification (germline): Uncertain significance. Review status: criteria provided, multiple submitters, no conflicts (2 of 4 stars). 2 submissions from 2 submitters: Uncertain significance (2). Last evaluated 2025-02-26.

Conditions:
Brody myopathy. Also called: BRODY DISEASE. Identifiers: Orphanet 53347, MedGen C1832918, MONDO:0010977, OMIM 601003.

gnomAD v4.1: 1 of 1,614,204 alleles (0.000062%); highest among the groups gnomAD compares: Non-Finnish European, 0.000085%; no homozygotes.

Submissions (2):

GeneDx
Classification: Uncertain significance. Last evaluated: 2025-02-26. Review status: criteria provided, single submitter. Criteria: GeneDx Variant Classification Process June 2021. Collection method: clinical testing. Allele origin: germline. Affected: yes.
Comment: Not observed at significant frequency in large population cohorts (gnomAD); In silico analysis supports that this missense variant has a deleterious effect on protein structure/function; Has not been previously published as pathogenic or benign to our knowledge

Labcorp Genetics (formerly Invitae), Labcorp
Classification: Uncertain significance for Brody myopathy. Last evaluated: 2025-02-09. Review status: criteria provided, single submitter. Criteria: Invitae Variant Classification Sherloc (09022015). Collection method: clinical testing. Allele origin: germline.
Comment: This sequence change replaces cysteine, which is neutral and slightly polar, with arginine, which is basic and polar, at codon 774 of the ATP2A1 protein (p.Cys774Arg). This variant is not present in population databases (gnomAD no frequency). This variant has not been reported in the literature in individuals affected with ATP2A1-related conditions. An algorithm developed to predict the effect of missense changes on protein structure and function (PolyPhen-2) suggests that this variant is likely to be disruptive. In summary, the available evidence is currently insufficient to determine the role of this variant in disease. Therefore, it has been classified as a Variant of Uncertain Significance.

NM_004320.6(ATP2A1):c.2320T>C (p.Cys774Arg)

Gene: ATP2A1 (ATPase sarcoplasmic/endoplasmic reticulum Ca2+ transporting 1; plus strand). Cytogenetic location: 16p11.2.
Variant type: single nucleotide variant.
Coding change: c.2320T>C on transcript NM_004320.6 (MANE Select); coding-DNA position 2320, T replaced by C.
Protein change: p.Cys774Arg; replaces cysteine 774 with arginine.
Molecular consequence: missense variant.
Genome position (GRCh38, 1-based): chr16:28,902,082, T>C. VCF-style: chr16-28902082-T-C. GRCh37 (hg19) VCF-style: chr16-28913403-T-C.
Other names: c.1945T>C, p.Cys649Arg (NM_001286075.2); c.2320T>C, p.Cys774Arg (NM_173201.5); short protein forms C649R, C774R.
Identifiers: ClinVar variation 4077277 (VCV004077277.2).